The following is an entry in ClinVar:

NM_006059.4(LAMC3):c.1915G>A (p.Val639Ile)

Gene: LAMC3 (laminin subunit gamma 3; plus strand). Cytogenetic location: 9q34.12.
Variant type: single nucleotide variant.
Coding change: c.1915G>A on transcript NM_006059.4 (MANE Select); coding-DNA position 1915, G replaced by A.
Protein change: p.Val639Ile; replaces valine 639 with isoleucine.
Molecular consequence: missense variant.
Genome position (GRCh38, 1-based): chr9:131,052,941, G>A. VCF-style: chr9-131052941-G-A. GRCh37 (hg19) VCF-style: chr9-133928328-G-A.
Other names: short protein forms V639I.
Identifiers: ClinVar variation 211361 (VCV000211361.10), dbSNP rs370174192, ClinGen allele CA209816.

ClinVar aggregate classification (germline): Uncertain significance. Review status: criteria provided, multiple submitters, no conflicts (2 of 4 stars). 3 submissions from 3 submitters: Uncertain significance (3). Last evaluated 2025-11-13.

Conditions:
Inborn genetic diseases. Identifiers: MedGen C0950123, MeSH D030342.

Allele frequency attached by ClinVar (database versions not stated): TOPMed 0.00002; ExAC 0.00003; gnomAD 0.00001; gnomAD exomes 0.00002.
gnomAD v4.1: 29 of 1,613,232 alleles (0.0018%); highest among the groups gnomAD compares: South Asian, 0.0077%; no homozygotes.

Submissions (3):

Ambry Genetics
Classification: Uncertain significance for Inborn genetic diseases. Last evaluated: 2025-11-13. Review status: criteria provided, single submitter. Criteria: Ambry Variant Classification Scheme 2023. Collection method: clinical testing. Allele origin: germline.

Labcorp Genetics (formerly Invitae), Labcorp
Classification: Uncertain significance. Last evaluated: 2022-07-06. Review status: criteria provided, single submitter. Criteria: Invitae Variant Classification Sherloc (09022015). Collection method: clinical testing. Allele origin: germline.
Comment: This sequence change replaces valine, which is neutral and non-polar, with isoleucine, which is neutral and non-polar, at codon 639 of the LAMC3 protein (p.Val639Ile). The frequency data for this variant in the population databases is considered unreliable, as metrics indicate poor data quality at this position in the gnomAD database. This variant has not been reported in the literature in individuals affected with LAMC3-related conditions. ClinVar contains an entry for this variant (Variation ID: 211361). Algorithms developed to predict the effect of missense changes on protein structure and function output the following: SIFT: "Tolerated"; PolyPhen-2: "Benign"; Align-GVGD: "Class C0". The isoleucine amino acid residue is found in multiple mammalian species, which suggests that this missense change does not adversely affect protein function. In summary, the available evidence is currently insufficient to determine the role of this variant in disease. Therefore, it has been classified as a Variant of Uncertain Significance.

Genetic Services Laboratory, University of Chicago
Classification: Uncertain significance. Last evaluated: 2014-12-22. Review status: criteria provided, single submitter. Criteria: ACMG Guidelines, 2015. Collection method: clinical testing. Allele origin: germline.